The following is an entry in ClinVar:

ClinVar aggregate classification (germline): Uncertain significance (1 of 4 stars; one submission).

Allele frequency attached by ClinVar (database versions not stated): gnomAD 0.00001; ExAC 0.00002; 1000 Genomes Project 30x 0.00031; 1000 Genomes Project 0.00040.

Submission:

Labcorp Genetics (formerly Invitae), Labcorp
Classification: Uncertain significance. Last evaluated: 2020-11-25. Review status: criteria provided, single submitter. Criteria: Invitae Variant Classification Sherloc (09022015). Collection method: clinical testing. Allele origin: germline.
Comment: In summary, the available evidence is currently insufficient to determine the role of this variant in disease. Therefore, it has been classified as a Variant of Uncertain Significance. This variant has not been reported in the literature in individuals with ABRAXAS1-related conditions. This variant is present in population databases (rs549027065, ExAC 0.01%). This sequence change creates a premature translational stop signal (p.Glu4*) in the ABRAXAS1 gene. It is expected to result in an absent or disrupted protein product. However, the current clinical and genetic evidence is not sufficient to establish whether loss-of-function variants in ABRAXAS1 cause disease.

NM_139076.3(ABRAXAS1):c.10G>T (p.Glu4Ter)

Genes: ABRAXAS1 (abraxas 1, BRCA1 A complex subunit; minus strand), LOC129992784 (ATAC-STARR-seq lymphoblastoid silent region 15542; plus strand). Cytogenetic location: 4q21.23.
Variant type: single nucleotide variant.
Coding change: c.10G>T on transcript NM_139076.3 (MANE Select); coding-DNA position 10, G replaced by T.
Protein change: p.Glu4Ter; replaces glutamic acid 4 with a stop codon.
Molecular consequence: nonsense. On other transcripts: 5 prime UTR variant (1).
Genome position (GRCh38, 1-based): chr4:83,485,063, C>A on the plus strand (G>T on the coding strand, the complement: ABRAXAS1 is on the minus strand). VCF-style: chr4-83485063-C-A. GRCh37 (hg19) VCF-style: chr4-84406216-C-A.
Other names: c.-251G>T (NM_001345962.2); short protein forms E4*.
Identifiers: ClinVar variation 1420981 (VCV001420981.6), dbSNP rs549027065, ClinGen allele CA2990693.